The following is an entry in ClinVar:

NM_002907.4(RECQL):c.1240T>G (p.Cys414Gly)

Gene: RECQL (RecQ like helicase; minus strand). Cytogenetic location: 12p12.1.
Variant type: single nucleotide variant.
Coding change: c.1240T>G on transcript NM_002907.4 (MANE Select); coding-DNA position 1240, T replaced by G.
Protein change: p.Cys414Gly; replaces cysteine 414 with glycine.
Molecular consequence: missense variant.
Genome position (GRCh38, 1-based): chr12:21,474,956, A>C on the plus strand (T>G on the coding strand, the complement: RECQL is on the minus strand). VCF-style: chr12-21474956-A-C. GRCh37 (hg19) VCF-style: chr12-21627890-A-C.
Other names: c.1240T>G, p.Cys414Gly (NM_032941.3); short protein forms C414G.
Identifiers: ClinVar variation 2565579 (VCV002565579.2), dbSNP rs1351176542, ClinGen allele CA384118888.

ClinVar aggregate classification (germline): Uncertain significance (1 of 4 stars; one submission).

Submission:

Ambry Genetics
Classification: Uncertain significance. Last evaluated: 2023-05-12. Review status: criteria provided, single submitter. Criteria: Ambry Variant Classification Scheme 2023. Collection method: clinical testing. Allele origin: germline.
Comment: The p.C414G variant (also known as c.1240T>G), located in coding exon 10 of the RECQL gene, results from a T to G substitution at nucleotide position 1240. The cysteine at codon 414 is replaced by glycine, an amino acid with highly dissimilar properties. This amino acid position is conserved. In addition, this alteration is predicted to be deleterious by in silico analysis. Since supporting evidence is limited at this time, the clinical significance of this alteration remains unclear.